The following is an entry in ClinVar:

ClinVar aggregate classification (germline): Uncertain significance (1 of 4 stars; one submission).

Conditions:
Hereditary cancer-predisposing syndrome. Also called: Hereditary Cancer Syndrome; Tumor predisposition; Hereditary neoplastic syndrome; Neoplastic Syndromes, Hereditary. Identifiers: Orphanet 140162, MedGen C0027672, MeSH D009386, MONDO:0015356.

Submission:

Ambry Genetics
Classification: Uncertain significance for Hereditary cancer-predisposing syndrome. Last evaluated: 2024-04-05. Review status: criteria provided, single submitter. Criteria: Ambry Variant Classification Scheme 2023. Collection method: clinical testing. Allele origin: germline.
Comment: The c.847-1delG intronic variant, located in intron 6 of the CHEK2 gene, results from a deletion of one nucleotide within intron 6 of the CHEK2 gene. Alterations that disrupt the canonical splice site are expected to result in aberrant splicing. In silico splice site analysis predicts that this alteration will weaken the native splice acceptor site and may result in the creation or strengthening of a novel splice acceptor site. The resulting transcript is predicted to be in-frame and is not expected to trigger nonsense-mediated mRNA decay; however, direct evidence is insufficient at this time (Ambry internal data). The exact functional effect of the altered amino acid sequence is unknown. This nucleotide position is highly conserved in available vertebrate species. Based on the available evidence, the clinical significance of this variant remains unclear.

NM_007194.4(CHEK2):c.847-1del

Gene: CHEK2 (checkpoint kinase 2; minus strand). Cytogenetic location: 22q12.1.
Variant type: Deletion.
Coding change: c.847-1del on transcript NM_007194.4 (MANE Select); the canonical splice acceptor site of the intron before coding-DNA position 847, one base deleted (G; older notation c.847-1delG).
Molecular consequence: splice acceptor variant.
Genome position (GRCh38, 1-based): chr22:28,703,567, C deleted on the plus strand (G on the coding strand, the reverse complement: CHEK2 is on the minus strand). VCF-style (leftmost placement, unchanged base first): chr22-28703566-GC-G. GRCh37 (hg19) VCF-style: chr22-29099554-GC-G.
Other names: c.184-1del (NM_001437942.1, NM_001257387.3); c.646-1del (NM_001349956.3); c.847-1del (NM_145862.3); c.940-1del (NM_001438295.1, NM_001438293.1); c.976-1del (NM_001438294.1, NM_001005735.3).
Identifiers: ClinVar variation 3266948 (VCV003266948.1).